The following is an entry in ClinVar:

ClinVar aggregate classification (germline): Likely pathogenic. Review status: criteria provided, single submitter (1 of 4 stars). 2 submissions from 2 submitters: Likely pathogenic (1). 1 of the submissions does not count toward it. Last evaluated 2023-05-02.

Conditions:
Nemaline myopathy 5 (NEM5A). Also called: NEMALINE MYOPATHY, AMISH TYPE; Nemaline myopathy 5, Amish type; NEMALINE MYOPATHY 5A, AUTOSOMAL RECESSIVE, SEVERE INFANTILE. Identifiers: Orphanet 98902, MedGen C1854380, MONDO:0011539, OMIM 605355.

Submissions (2):

Broad Center for Mendelian Genomics, Broad Institute of MIT and Harvard
Classification: Likely pathogenic for Nemaline myopathy 5. Last evaluated: 2023-05-02. Review status: criteria provided, single submitter. Criteria: ACMG Guidelines, 2015. Collection method: curation. Allele origin: germline. Inheritance: Autosomal recessive inheritance.
Comment: The c.74-67C>A variant in TNNT1 has been previously reported in one individual with nemaline myopathy 5 (PMID: 32994279). This variant is absent in population databases. The phenotype of the individual previously reported (PMID: 32994279) is highly specific for nemaline myopathy 5 based on absent expression of TNNT1 protein (assessed via Western blot analysis of skeletal muscle biopsy sample) consistent with disease (PMID: 32994279). RNAseq analysis performed on affected tissue showed possible evidence of intron retention after exon 4 (PMID: 32994279). This variant is located in the 3‚Äô splice region. Computational tools do suggest an impact to splicing. However, this information is not predictive enough to determine pathogenicity. In summary, although additional studies are required to fully establish its clinical significance, this variant is likely pathogenic for autosomal recessive nemaline myopathy 5. ACMG/AMP Criteria applied: PS3_Moderate, PM2_Supporting, PM3, PP4 (Richards 2015).

OMIM
Classification: Pathogenic for NEMALINE MYOPATHY 5A, AUTOSOMAL RECESSIVE, SEVERE INFANTILE. Last evaluated: 2023-05-31. Review status: no assertion criteria provided. Collection method: literature only. Allele origin: germline. Not counted in ClinVar's aggregate classification.

Literature cited by the submitters: PubMed 32994279 (cited by Broad Center for Mendelian Genomics, Broad Institute of MIT and Harvard and OMIM).

NM_003283.6(TNNT1):c.74-67C>A

Gene: TNNT1 (troponin T1, slow skeletal type; minus strand). Cytogenetic location: 19q13.42.
Variant type: single nucleotide variant.
Coding change: c.74-67C>A on transcript NM_003283.6 (MANE Select); 67 bases into the intron before coding-DNA position 74, C replaced by A.
Molecular consequence: intron variant.
Genome position (GRCh38, 1-based): chr19:55,146,533, G>T on the plus strand (C>A on the coding strand, the complement: TNNT1 is on the minus strand). VCF-style: chr19-55146533-G-T. GRCh37 (hg19) VCF-style: chr19-55657901-G-T.
Other names: NM_001291774.2:c.73+148C>A; IVS4AS, C-A, -67; c.73+148C>A (NM_001126133.3, NM_001291774.2); c.74-67C>A (NM_001126132.3).
Identifiers: ClinVar variation 2500959 (VCV002500959.2), dbSNP rs2515470310, ClinGen allele CA2573332061.